The following is an entry in ClinVar:

NM_001256012.3(MYH10):c.4458+8G>C

Gene: MYH10 (myosin heavy chain 10; minus strand). Cytogenetic location: 17p13.1.
Variant type: single nucleotide variant.
Coding change: c.4458+8G>C on transcript NM_001256012.3 (MANE Select); 8 bases into the intron after coding-DNA position 4458, G replaced by C.
Molecular consequence: intron variant.
Genome position (GRCh38, 1-based): chr17:8,492,768, C>G on the plus strand (G>C on the coding strand, the complement: MYH10 is on the minus strand). VCF-style: chr17-8492768-C-G. GRCh37 (hg19) VCF-style: chr17-8396086-C-G.
Other names: c.4395+8G>C (NM_001375266.1); c.4365+8G>C (NM_005964.5); c.4392+8G>C (NM_001256095.2).
Identifiers: ClinVar variation 4886039 (VCV004886039.2).

ClinVar aggregate classification (germline): Uncertain significance (1 of 4 stars; one submission).

Submission:

Dasa
Classification: Uncertain significance. Last evaluated: 2025-08-15. Review status: criteria provided, single submitter. Criteria: DASA Assertion Criteria. Collection method: clinical testing. Allele origin: germline.
Comment: NM_001256012.3(MYH10):c.4458+8G>C is a splice-region variant. This variant is absent from population databases. Computational prediction algorithms are consistent with a benign effect. The currently available literature and clinical evidence are not sufficient to establish a definitive association between this variant and the reported condition. Therefore, this variant is classified as a variant of uncertain significance.